The following is an entry in ClinVar:

NM_014915.3(ANKRD26):c.3505G>C (p.Asp1169His)

Gene: ANKRD26 (ankyrin repeat domain 26; minus strand). Cytogenetic location: 10p12.1.
Variant type: single nucleotide variant.
Coding change: c.3505G>C on transcript NM_014915.3 (MANE Select); coding-DNA position 3505, G replaced by C.
Protein change: p.Asp1169His; replaces aspartic acid 1169 with histidine.
Molecular consequence: missense variant.
Genome position (GRCh38, 1-based): chr10:27,034,945, C>G on the plus strand (G>C on the coding strand, the complement: ANKRD26 is on the minus strand). VCF-style: chr10-27034945-C-G. GRCh37 (hg19) VCF-style: chr10-27323874-C-G.
Other names: c.3502G>C, p.Asp1168His (NM_001256053.2); short protein forms D1169H, D1168H.
Identifiers: ClinVar variation 5023382 (VCV005023382.1).
Genomic context (GRCh38, chr10:27,034,945, plus strand): 5'-GCAGAAGACTTTGCTTTTCACTCTCAGCTTGAAGTTTTTGCACAATAGCATGAAACTGGT[C>G]TTGGATATTAATCACTGTCTTCTCTTTATTGTCAGCCTTGTTGTGGGCATCATCCAGTTG-3'
Protein context (NP_055730.2, residues 1159-1179): NKEKTVINIQ[Asp1169His]QFHAIVQKLQ

ClinVar aggregate classification (germline): Uncertain significance (1 of 4 stars; one submission).

Conditions:
Inborn genetic diseases. Identifiers: MedGen C0950123, MeSH D030342.

Submission:

Ambry Genetics
Classification: Uncertain significance for Inborn genetic diseases. Last evaluated: 2026-07-30. Review status: criteria provided, single submitter. Criteria: Ambry Variant Classification Scheme 2023. Collection method: clinical testing. Allele origin: germline.
Comment: The p.D1169H variant (also known as c.3505G>C), located in coding exon 24 of the ANKRD26 gene, results from a G to C substitution at nucleotide position 3505. The aspartic acid at codon 1169 is replaced by histidine, an amino acid with similar properties. This amino acid position is conserved. In addition, this alteration is predicted to be tolerated by in silico analysis. Based on the available evidence, the clinical significance of this variant remains unclear.